The following is an entry in ClinVar:

NM_006420.3(ARFGEF2):c.4132G>A (p.Val1378Met)

Gene: ARFGEF2 (ARF guanine nucleotide exchange factor 2; plus strand). Cytogenetic location: 20q13.13.
Variant type: single nucleotide variant.
Coding change: c.4132G>A on transcript NM_006420.3 (MANE Select); coding-DNA position 4132, G replaced by A.
Protein change: p.Val1378Met; replaces valine 1378 with methionine.
Molecular consequence: missense variant.
Genome position (GRCh38, 1-based): chr20:49,013,913, G>A. VCF-style: chr20-49013913-G-A. GRCh37 (hg19) VCF-style: chr20-47630450-G-A.
Other names: c.4129G>A, p.Val1377Met (NM_001410846.1); short protein forms V1377M, V1378M.
Identifiers: ClinVar variation 2064350 (VCV002064350.4), dbSNP rs765874625, ClinGen allele CA9899127.
Genomic context (GRCh38, chr20:49,013,913, plus strand): 5'-ATCATGAAGAGCTATGGCCACACCTTTGAAAAGCACTGGTGGCAGGACCTGTTCAGAATC[G>A]TGTTTCGGATTTTTGACAATATGAAACTCCCTGAGCAACTGTCAGAGGTAGGTGATAACT-3'
Protein context (NP_006411.2, residues 1368-1388): KHWWQDLFRI[Val1378Met]FRIFDNMKLP

ClinVar aggregate classification (germline): Uncertain significance (1 of 4 stars; one submission).

Allele frequency attached by ClinVar (database versions not stated): gnomAD exomes below 0.00001; gnomAD 0.00001; TOPMed 0.00002; ExAC 0.00002.
gnomAD v4.1: 7 of 1,613,914 alleles (0.00043%); highest among the groups gnomAD compares: East Asian, 0.0089%; no homozygotes.

Submission:

Labcorp Genetics (formerly Invitae), Labcorp
Classification: Uncertain significance. Last evaluated: 2023-08-04. Review status: criteria provided, single submitter. Criteria: Invitae Variant Classification Sherloc (09022015). Collection method: clinical testing. Allele origin: germline.
Comment: In summary, the available evidence is currently insufficient to determine the role of this variant in disease. Therefore, it has been classified as a Variant of Uncertain Significance. An algorithm developed to predict the effect of missense changes on protein structure and function (PolyPhen-2) suggests that this variant is likely to be disruptive. ClinVar contains an entry for this variant (Variation ID: 2064350). This variant has not been reported in the literature in individuals affected with ARFGEF2-related conditions. This variant is present in population databases (rs765874625, gnomAD 0.02%). This sequence change replaces valine, which is neutral and non-polar, with methionine, which is neutral and non-polar, at codon 1378 of the ARFGEF2 protein (p.Val1378Met).